The following is an entry in ClinVar:

NM_006949.4(STXBP2):c.1453-10C>T

Gene: STXBP2 (syntaxin binding protein 2; plus strand). Cytogenetic location: 19p13.2.
Variant type: single nucleotide variant.
Coding change: c.1453-10C>T on transcript NM_006949.4 (MANE Select); 10 bases into the intron before coding-DNA position 1453, C replaced by T.
Molecular consequence: intron variant.
Genome position (GRCh38, 1-based): chr19:7,647,152, C>T. VCF-style: chr19-7647152-C-T. GRCh37 (hg19) VCF-style: chr19-7712038-C-T.
Other names: c.1486-10C>T (NM_001272034.2); c.1444-10C>T (NM_001127396.3).
Identifiers: ClinVar variation 721040 (VCV000721040.15), dbSNP rs368488488, ClinGen allele CA9144188.

ClinVar aggregate classification (germline): Likely benign. Review status: criteria provided, multiple submitters, no conflicts (2 of 4 stars). 4 submissions from 4 submitters: Likely benign (3). 1 of the submissions does not count toward it. Last evaluated 2026-01-06.

Conditions:
Autoinflammatory syndrome. Identifiers: Orphanet 93665, MedGen C3890737, MONDO:0019751.
Familial hemophagocytic lymphohistiocytosis 5. Also called: STXBP2-Related Familial Hemophagocytic Lymphohistiocytosis (STXBP2-fHLH). Identifiers: Orphanet 540, MedGen C2751293, MONDO:0013135, OMIM 613101.
STXBP2-related disorder. Also called: STXBP2-related condition.

Allele frequency attached by ClinVar (database versions not stated): TOPMed 0.00002; gnomAD 0.00003; gnomAD exomes 0.00005; ExAC 0.00006.
gnomAD v4.1: 36 of 1,611,132 alleles (0.0022%); highest among the groups gnomAD compares: Admixed American, 0.022%; no homozygotes.

Submissions (4):

Labcorp Genetics (formerly Invitae), Labcorp
Classification: Likely benign for Familial hemophagocytic lymphohistiocytosis 5. Last evaluated: 2026-01-06. Review status: criteria provided, single submitter. Criteria: Invitae Variant Classification Sherloc (09022015). Collection method: clinical testing. Allele origin: germline.

Blueprint Genetics
Classification: Likely benign. Last evaluated: 2024-03-22. Review status: criteria provided, single submitter. Criteria: ACMG Guidelines, 2015. Collection method: clinical testing. Allele origin: germline.

Genome Diagnostics Laboratory, The Hospital for Sick Children
Classification: Likely benign for Autoinflammatory syndrome. Last evaluated: 2021-02-26. Review status: criteria provided, single submitter. Criteria: ACMG Guidelines, 2015. Collection method: clinical testing. Allele origin: germline. Affected: yes.

PreventionGenetics, part of Exact Sciences
Classification: Likely benign for STXBP2-related condition. Last evaluated: 2019-05-24. Review status: no assertion criteria provided. Collection method: clinical testing. Allele origin: germline. Not counted in ClinVar's aggregate classification.
Comment: This variant is classified as likely benign based on ACMG/AMP sequence variant interpretation guidelines (Richards et al. 2015 PMID: 25741868, with internal and published modifications).